The following is an entry in ClinVar:

NM_000875.5(IGF1R):c.2881_2884del (p.Lys961fs)

Gene: IGF1R (insulin like growth factor 1 receptor; plus strand). Cytogenetic location: 15q26.3.
Variant type: Deletion.
Coding change: c.2881_2884del on transcript NM_000875.5 (MANE Select); coding-DNA positions 2881 to 2884, 4 bases deleted (AAGA; older notation c.2881_2884delAAGA).
Protein change: p.Lys961fs; shifts the reading frame from lysine 961.
Molecular consequence: frameshift variant.
Genome position (GRCh38, 1-based): chr15:98,929,656-98,929,659, AAGA deleted; deleting any 4 consecutive bases within chr15:98,929,653-98,929,659 gives the same sequence; the c. name uses the placement nearest the transcript's 3' end. VCF-style (leftmost placement, unchanged base first): chr15-98929652-TAGAA-T. GRCh37 (hg19) VCF-style: chr15-99472881-TAGAA-T.
Other names: c.2878_2881del, p.Lys960fs (NM_001291858.2); short protein forms K960fs, K961fs.
Identifiers: ClinVar variation 2632721 (VCV002632721.1), dbSNP rs1448143895, ClinGen allele CA620067591.
Genomic context (GRCh38, chr15:98,929,652, plus strand): 5'-TCTGCCCGTCGCTGTCCTGTTGATCGTGGGAGGGTTGGTGATTATGCTGTACGTCTTCCA[TAGAA>T]AGAGGTCAGTGATGTGCAAAGTTATGACACTTTCTGTGGCTGAGTGGTTTGATGATTTGA-3'

ClinVar aggregate classification (germline): Likely pathogenic (1 of 4 stars; one submission).

Conditions:
IGF1R-related disorder. Also called: IGF1R-related condition.

Submission:

PreventionGenetics, part of Exact Sciences
Classification: Likely pathogenic for IGF1R-related condition. Last evaluated: 2023-07-13. Review status: criteria provided, single submitter. Criteria: ACMG Guidelines, 2015. Collection method: clinical testing. Allele origin: germline.
Comment: The IGF1R c.2881_2884delAAGA variant is predicted to result in a frameshift and premature protein termination (p.Lys961Glufs*15). To our knowledge, this variant has not been reported in the literature. This variant is reported in 0.00088% of alleles in individuals of European (Non-Finnish) descent in gnomAD. Frameshift variants in IGF1R are expected to be pathogenic. This variant is interpreted as likely pathogenic.